The following is an entry in ClinVar:

ClinVar aggregate classification (germline): Uncertain significance (1 of 4 stars; one submission).

gnomAD v4.1: 1 of 1,614,142 alleles (0.000062%); highest among the groups gnomAD compares: Non-Finnish European, 0.000085%; no homozygotes.

Submission:

Women's Health and Genetics/Laboratory Corporation of America, LabCorp
Classification: Uncertain significance. Last evaluated: 2025-10-17. Review status: criteria provided, single submitter. Criteria: LabCorp Variant Classification Summary - May 2015. Collection method: clinical testing. Allele origin: germline.
Comment: Variant summary: ZNF462 c.847A>G (p.Thr283Ala) results in a non-conservative amino acid change in the encoded protein sequence. Algorithms developed to predict the effect of missense changes on protein structure and function are either unavailable or do not agree on the potential impact of this missense change. The variant allele was found at a frequency of 4e-06 in 251484 control chromosomes. The available data on variant occurrences in the general population are insufficient to allow any conclusion about variant significance. To our knowledge, no occurrence of c.847A>G in individuals affected with ZNF462-related conditions and no experimental evidence demonstrating its impact on protein function have been reported. No submitters have cited clinical-significance assessments for this variant to ClinVar. Based on the evidence outlined above, the variant was classified as uncertain significance.

NM_021224.6(ZNF462):c.847A>G (p.Thr283Ala)

Gene: ZNF462 (zinc finger protein 462; plus strand). Cytogenetic location: 9q31.2.
Variant type: single nucleotide variant.
Coding change: c.847A>G on transcript NM_021224.6 (MANE Select); coding-DNA position 847, A replaced by G.
Protein change: p.Thr283Ala; replaces threonine 283 with alanine.
Molecular consequence: missense variant.
Genome position (GRCh38, 1-based): chr9:106,924,759, A>G. VCF-style: chr9-106924759-A-G. GRCh37 (hg19) VCF-style: chr9-109687040-A-G.
Other names: c.847A>G, p.Thr283Ala (NM_001347997.2); short protein forms T283A.
Identifiers: ClinVar variation 4687228 (VCV004687228.1).